The following is an entry in ClinVar:

NM_007129.5(ZIC2):c.1365_1370dup (p.Ala470_Val471insAlaAla)

Gene: ZIC2 (Zic family zinc finger 2; plus strand). Cytogenetic location: 13q32.3.
Variant type: Duplication.
Coding change: c.1365_1370dup on transcript NM_007129.5 (MANE Select); coding-DNA positions 1365 to 1370, 6 bases duplicated (AGCGGC; older notation c.1365_1370dupAGCGGC).
Protein change: p.Ala470_Val471insAlaAla.
Molecular consequence: inframe insertion.
Genome position (GRCh38, 1-based): chr13:99,985,448-99,985,453, AGCGGC duplicated; duplicating any 6 consecutive bases within chr13:99,985,447-99,985,453 gives the same sequence; the c. name uses the placement nearest the transcript's 3' end. VCF-style (leftmost placement, unchanged base first): chr13-99985446-C-CCAGCGG. GRCh37 (hg19) VCF-style: chr13-100637700-C-CCAGCGG.
Identifiers: ClinVar variation 3614964 (VCV003614964.2).

ClinVar aggregate classification (germline): Uncertain significance (1 of 4 stars; one submission).

Conditions:
Holoprosencephaly 5 (HPE5). Identifiers: Orphanet 2162, MedGen C1864827, MONDO:0012322, OMIM 609637.

Submission:

Labcorp Genetics (formerly Invitae), Labcorp
Classification: Uncertain significance for Holoprosencephaly 5. Last evaluated: 2024-10-17. Review status: criteria provided, single submitter. Criteria: Invitae Variant Classification Sherloc (09022015). Collection method: clinical testing. Allele origin: germline.
Comment: This variant, c.1365_1370dup, results in the insertion of 2 amino acid(s) of the ZIC2 protein (p.Ala469_Ala470dup), but otherwise preserves the integrity of the reading frame. The frequency data for this variant in the population databases is considered unreliable, as metrics indicate poor data quality at this position in the gnomAD database. This variant has been observed in individual(s) with holoprosencephaly (PMID: 22847929). Experimental studies and prediction algorithms are not available or were not evaluated, and the functional significance of this variant is currently unknown. In summary, the available evidence is currently insufficient to determine the role of this variant in disease. Therefore, it has been classified as a Variant of Uncertain Significance.

Literature cited by the submitters: PubMed 22847929.